The following is an entry in ClinVar:

ClinVar aggregate classification (germline): Likely benign. Review status: criteria provided, single submitter (1 of 4 stars). 2 submissions from 2 submitters: Likely benign (1). 1 of the submissions does not count toward it. Last evaluated 2025-12-14.

Conditions:
MGME1-related disorder. Also called: MGME1-related condition.

Allele frequency attached by ClinVar (database versions not stated): ExAC 0.00002; gnomAD exomes 0.00002; ESP Exome Variant Server 0.00008.
gnomAD v4.1: 32 of 1,613,972 alleles (0.002%); highest among the groups gnomAD compares: Non-Finnish European, 0.0026%; no homozygotes.

Submissions (2):

Labcorp Genetics (formerly Invitae), Labcorp
Classification: Likely benign. Last evaluated: 2025-12-14. Review status: criteria provided, single submitter. Criteria: Invitae Variant Classification Sherloc (09022015). Collection method: clinical testing. Allele origin: germline.

PreventionGenetics, part of Exact Sciences
Classification: Likely benign for MGME1-related condition. Last evaluated: 2020-04-20. Review status: no assertion criteria provided. Collection method: clinical testing. Allele origin: germline. Not counted in ClinVar's aggregate classification.
Comment: This variant is classified as likely benign based on ACMG/AMP sequence variant interpretation guidelines (Richards et al. 2015 PMID: 25741868, with internal and published modifications).

NM_052865.4(MGME1):c.561T>G (p.Leu187=)

Gene: MGME1 (mitochondrial genome maintenance exonuclease 1; plus strand). Cytogenetic location: 20p11.23.
Variant type: single nucleotide variant.
Coding change: c.561T>G on transcript NM_052865.4 (MANE Select); coding-DNA position 561, T replaced by G.
Protein change: p.Leu187=; no amino-acid change (leucine 187 retained).
Molecular consequence: synonymous variant. On other transcripts: intron variant (1).
Genome position (GRCh38, 1-based): chr20:17,975,733, T>G. VCF-style: chr20-17975733-T-G. GRCh37 (hg19) VCF-style: chr20-17956376-T-G.
Other names: c.561T>G (NM_052865.3); c.606T>G, p.Leu202= (NM_001310338.2); c.321T>G, p.Leu107= (NM_001363738.2); c.511+5363T>G (NM_001310339.2).
Identifiers: ClinVar variation 2161400 (VCV002161400.6), dbSNP rs373816138, ClinGen allele CA9774975.
Genomic context (GRCh38, chr20:17,975,733, plus strand): 5'-TTTCTTTTCAGACGTCTTTTTACAAGGGAAACGGTTCCACGAAGCCTTGGAAAGCATACT[T>G]TCACCCCAGGAAACCTTAAAAGAGAGAGATGAAAATCTCCTCAAGTCTGGTTACATTGAA-3'
Protein context (NP_443097.1, residues 177-197): KRFHEALESI[Leu187=]SPQETLKERD